The following is an entry in ClinVar:

ClinVar aggregate classification (germline): Uncertain significance. Review status: criteria provided, multiple submitters, no conflicts (2 of 4 stars). 2 submissions from 2 submitters: Uncertain significance (2). Last evaluated 2024-08-26.

Conditions:
Hereditary cancer-predisposing syndrome. Also called: Hereditary neoplastic syndrome; Neoplastic Syndromes, Hereditary; Tumor predisposition; Hereditary Cancer Syndrome. Identifiers: Orphanet 140162, MedGen C0027672, MeSH D009386, MONDO:0015356.

Submissions (2):

Ambry Genetics
Classification: Uncertain significance for Hereditary cancer-predisposing syndrome. Last evaluated: 2024-08-26. Review status: criteria provided, single submitter. Criteria: Ambry Variant Classification Scheme 2023. Collection method: clinical testing. Allele origin: germline.
Comment: The p.L49P variant (also known as c.146T>C), located in coding exon 1 of the CDKN2A gene, results from a T to C substitution at nucleotide position 146 of the p14 protein-encoding isoform. The leucine at codon 49 is replaced by proline, an amino acid with similar properties. This amino acid position is well conserved in available vertebrate species. In addition, the in silico prediction for this alteration is inconclusive. Since supporting evidence is limited at this time, the clinical significance of this alteration remains unclear.

Clinical Genetics Laboratory, Skane University Hospital Lund
Classification: Uncertain significance. Last evaluated: 2022-05-27. Review status: criteria provided, single submitter. Criteria: ACMG Guidelines, 2015. Collection method: clinical testing. Allele origin: germline. Affected: yes.

NM_058195.4(CDKN2A):c.146T>C (p.Leu49Pro)

Gene: CDKN2A (cyclin dependent kinase inhibitor 2A; minus strand). Cytogenetic location: 9p21.3.
Variant type: single nucleotide variant.
Coding change: c.146T>C on transcript NM_058195.4 (MANE Plus Clinical); coding-DNA position 146, T replaced by C.
Protein change: p.Leu49Pro; replaces leucine 49 with proline.
Molecular consequence: missense variant. On other transcripts: intron variant (1).
Genome position (GRCh38, 1-based): chr9:21,994,186, A>G on the plus strand (T>C on the coding strand, the complement: CDKN2A is on the minus strand). VCF-style: chr9-21994186-A-G. GRCh37 (hg19) VCF-style: chr9-21994185-A-G.
Other names: c.-4+635T>C (NM_001363763.2); short protein forms L49P.
Identifiers: ClinVar variation 1773336 (VCV001773336.4), dbSNP rs2489327023, ClinGen allele CA373086856.